The following is an entry in ClinVar:

ClinVar aggregate classification (germline): Uncertain significance (1 of 4 stars; one submission).

gnomAD v4.1: 1 of 1,613,874 alleles (0.000062%); no homozygotes.

Submission:

Labcorp Genetics (formerly Invitae), Labcorp
Classification: Uncertain significance. Last evaluated: 2023-11-28. Review status: criteria provided, single submitter. Criteria: Invitae Variant Classification Sherloc (09022015). Collection method: clinical testing. Allele origin: germline.
Comment: This sequence change replaces serine, which is neutral and polar, with tryptophan, which is neutral and slightly polar, at codon 735 of the RFWD3 protein (p.Ser735Trp). This variant is not present in population databases (gnomAD no frequency). This variant has not been reported in the literature in individuals affected with RFWD3-related conditions. An algorithm developed to predict the effect of missense changes on protein structure and function (PolyPhen-2) suggests that this variant is likely to be disruptive. In summary, the available evidence is currently insufficient to determine the role of this variant in disease. Therefore, it has been classified as a Variant of Uncertain Significance.

NM_018124.4(RFWD3):c.2204C>G (p.Ser735Trp)

Gene: RFWD3 (ring finger and WD repeat domain 3; minus strand). Cytogenetic location: 16q23.1.
Variant type: single nucleotide variant.
Coding change: c.2204C>G on transcript NM_018124.4 (MANE Select); coding-DNA position 2204, C replaced by G.
Protein change: p.Ser735Trp; replaces serine 735 with tryptophan.
Molecular consequence: missense variant.
Genome position (GRCh38, 1-based): chr16:74,624,049, G>C on the plus strand (C>G on the coding strand, the complement: RFWD3 is on the minus strand). VCF-style: chr16-74624049-G-C. GRCh37 (hg19) VCF-style: chr16-74657947-G-C.
Other names: c.2204C>G, p.Ser735Trp (NM_001370534.1, NM_001370535.1); c.2027C>G, p.Ser676Trp (NM_001370536.1); c.1370C>G, p.Ser457Trp (NM_001370537.1, NM_001370539.1, NM_001370540.1 and 3 more transcripts); short protein forms S457W, S735W, S676W.
Identifiers: ClinVar variation 2825171 (VCV002825171.3), dbSNP rs1958846622, ClinGen allele CA396759098.